The following is an entry in ClinVar:

ClinVar aggregate classification (germline): Uncertain significance. Review status: criteria provided, multiple submitters, no conflicts (2 of 4 stars). 2 submissions from 2 submitters: Uncertain significance (2). Last evaluated 2026-02-13.

Conditions:
Cardiovascular phenotype. Identifiers: MedGen CN230736.
Cardiomyopathy (CMYO). Also called: Cardiomyopathies. Identifiers: Orphanet 167848, MedGen C0878544, MONDO:0004994, HP:0001638. Inheritance: Various modes of inheritance.

Submissions (2):

Ambry Genetics
Classification: Uncertain significance for Cardiovascular phenotype. Last evaluated: 2026-02-13. Review status: criteria provided, single submitter. Criteria: Ambry Variant Classification Scheme 2023. Collection method: clinical testing. Allele origin: germline.
Comment: The p.V620F variant (also known as c.1858G>T), located in coding exon 11 of the LMNA gene, results from a G to T substitution at nucleotide position 1858. The valine at codon 620 is replaced by phenylalanine, an amino acid with highly similar properties. This amino acid position is well conserved in available vertebrate species. In addition, the in silico prediction for this alteration is inconclusive. Based on the available evidence, the clinical significance of this variant remains unclear.

Color Diagnostics, LLC DBA Color Health
Classification: Uncertain significance for Cardiomyopathy. Last evaluated: 2024-03-07. Review status: criteria provided, single submitter. Criteria: ACMG Guidelines, 2015. Collection method: clinical testing. Allele origin: germline.
Comment: This missense variant replaces valine with phenylalanine at codon 620 of the lamin A protein. Computational prediction suggests that this variant may not impact protein structure and function (internally defined REVEL score threshold <= 0.5, PMID: 27666373). To our knowledge, functional studies have not been reported for this variant. This variant has not been reported in individuals affected with LMNA-related disorders in the literature. This variant has not been identified in the general population by the Genome Aggregation Database (gnomAD). The available evidence is insufficient to determine the role of this variant in disease conclusively. Therefore, this variant is classified as a Variant of Uncertain Significance.

NM_170707.4(LMNA):c.1858G>T (p.Val620Phe)

Gene: LMNA (lamin A/C; plus strand). Cytogenetic location: 1q22.
Variant type: single nucleotide variant.
Coding change: c.1858G>T on transcript NM_170707.4 (MANE Select); coding-DNA position 1858, G replaced by T.
Protein change: p.Val620Phe; replaces valine 620 with phenylalanine.
Molecular consequence: missense variant. On other transcripts: intron variant (1).
Genome position (GRCh38, 1-based): chr1:156,138,647, G>T. VCF-style: chr1-156138647-G-T. GRCh37 (hg19) VCF-style: chr1-156108438-G-T.
Other names: c.1522G>T, p.Val508Phe (NM_001257374.3); c.1768G>T, p.Val590Phe (NM_170708.4); c.1818+40G>T (NM_001282626.2); short protein forms V508F, V590F, V620F.
Identifiers: ClinVar variation 1332621 (VCV001332621.5), dbSNP rs1187655257, ClinGen allele CA342827401.